The following is an entry in ClinVar:

ClinVar aggregate classification (germline): Uncertain significance (1 of 4 stars; one submission).

Submission:

Labcorp Genetics (formerly Invitae), Labcorp
Classification: Uncertain significance. Last evaluated: 2024-04-01. Review status: criteria provided, single submitter. Criteria: Invitae Variant Classification Sherloc (09022015). Collection method: clinical testing. Allele origin: germline.
Comment: This sequence change replaces valine, which is neutral and non-polar, with aspartic acid, which is acidic and polar, at codon 835 of the POLE protein (p.Val835Asp). This variant is not present in population databases (gnomAD no frequency). This variant has not been reported in the literature in individuals affected with POLE-related conditions. Advanced modeling of protein sequence and biophysical properties (such as structural, functional, and spatial information, amino acid conservation, physicochemical variation, residue mobility, and thermodynamic stability) performed at Invitae indicates that this missense variant is expected to disrupt POLE protein function with a positive predictive value of 80%. In summary, the available evidence is currently insufficient to determine the role of this variant in disease. Therefore, it has been classified as a Variant of Uncertain Significance.

NM_006231.4(POLE):c.2504T>A (p.Val835Asp)

Gene: POLE (DNA polymerase epsilon, catalytic subunit; minus strand). Cytogenetic location: 12q24.33.
Variant type: single nucleotide variant.
Coding change: c.2504T>A on transcript NM_006231.4 (MANE Select); coding-DNA position 2504, T replaced by A.
Protein change: p.Val835Asp; replaces valine 835 with aspartic acid.
Molecular consequence: missense variant.
Genome position (GRCh38, 1-based): chr12:132,664,427, A>T on the plus strand (T>A on the coding strand, the complement: POLE is on the minus strand). VCF-style: chr12-132664427-A-T. GRCh37 (hg19) VCF-style: chr12-133241013-A-T.
Other names: short protein forms V835D.
Identifiers: ClinVar variation 3631231 (VCV003631231.2).
Genomic context (GRCh38, chr12:132,664,427, plus strand): 5'-CACCCAATCTGCTCGATCAGCTCCCGTGCCTGGGTGATGATGTTGGCCCCTGTGAAGCAG[A>T]CGATGCCAGCCATCTCCATGGAGTACCAGCGAGCCCTGAGAGGACACCACAAACTGGTGG-3'
Protein context (NP_006222.2, residues 825-845): RWYSMEMAGI[Val835Asp]CFTGANIITQ